The following is an entry in ClinVar:

NM_007294.4(BRCA1):c.80G>A (p.Cys27Tyr)

Gene: BRCA1 (BRCA1 DNA repair associated; minus strand). Cytogenetic location: 17q21.31.
Variant type: single nucleotide variant.
Coding change: c.80G>A on transcript NM_007294.4 (MANE Select); coding-DNA position 80, G replaced by A.
Protein change: p.Cys27Tyr; replaces cysteine 27 with tyrosine.
Molecular consequence: missense variant. On other transcripts: nonsense (1), 5 prime UTR variant (1), non-coding transcript variant (1).
Genome position (GRCh38, 1-based): chr17:43,124,017, C>T on the plus strand (G>A on the coding strand, the complement: BRCA1 is on the minus strand). VCF-style: chr17-43124017-C-T. GRCh37 (hg19) VCF-style: chr17-41276034-C-T.
Other names: c.-109G>A (NM_001407571.1, NM_001407853.1, NM_001407879.1 and 46 more transcripts); c.80G>A, p.Cys27Tyr (NM_001407581.1, NM_001407582.1, NM_001407583.1 and 192 more transcripts); c.-178G>A (NM_001407694.1, NM_001407724.1, NM_001407727.1 and 11 more transcripts); c.-182G>A (NM_001407695.1, NM_001408465.1); c.-323G>A (NM_001407696.1); c.-207G>A (NM_001407697.1, NM_001407846.1, NM_001407920.1); c.-8G>A (NM_001407698.1, NM_001407732.1, NM_001407736.1 and 23 more transcripts); c.-181G>A (NM_001407725.1, NM_001407730.1, NM_001407734.1 and 22 more transcripts); and 9 more; short protein forms C27Y, W27*.
Identifiers: ClinVar variation 827453 (VCV000827453.21), dbSNP rs1064793052, ClinGen allele CA10601998.

ClinVar aggregate classification (germline): Likely pathogenic. Review status: criteria provided, multiple submitters, no conflicts (2 of 4 stars). 5 submissions from 5 submitters: Likely pathogenic (4). 1 of the submissions does not count toward it. Last evaluated 2023-06-01.

Conditions:
Hereditary breast ovarian cancer syndrome. Also called: Hereditary breast and/or ovarian cancer syndrome; BRCA1- and BRCA2-Associated Hereditary Breast and Ovarian Cancer; Hereditary breast and ovarian cancer syndrome; Hereditary breast and ovarian cancer; Hereditary breast and ovarian cancer syndrome (HBOC); Breast and ovarian cancer. Identifiers: Orphanet 145, MedGen C0677776, MeSH D061325, MONDO:0003582. Disease mechanism: loss of function.
BRCA1-related disorder. Also called: BRCA1-related condition.
Hereditary cancer-predisposing syndrome. Also called: Tumor predisposition; Hereditary Cancer Syndrome; Hereditary neoplastic syndrome; Neoplastic Syndromes, Hereditary. Identifiers: Orphanet 140162, MedGen C0027672, MeSH D009386, MONDO:0015356.

Submissions (6):

Ambry Genetics
Classification: Likely pathogenic for Hereditary cancer-predisposing syndrome. Last evaluated: 2023-06-01. Review status: criteria provided, single submitter. Criteria: Ambry Variant Classification Scheme 2023. Collection method: clinical testing. Allele origin: germline.
Comment: The p.C27Y variant (also known as c.80G>A), located in coding exon 1 of the BRCA1 gene, results from a G to A substitution at nucleotide position 80. The cysteine at codon 27 is replaced by tyrosine, an amino acid with highly dissimilar properties. However, this change occurs in the last base pair of coding exon 1, which makes it likely to have some effect on normal mRNA splicing. One functional study found that this nucleotide substitution is non-functional in a high-throughput, genome editing, haploid cell survival assay (Findlay GM et al. Nature, 2018 10;562:217-222). This alteration has been reported in multiple individuals diagnosed with breast and/or ovarian cancer (Liang Y et al. Med. Sci. Monit. 2018 Apr;24:2465-2475; Machackova E et al. Klin Onkol, 2019;32:51-71; Yao L et al. J Hum Genet, 2022 Nov;67:639-642). This variant is considered to be rare based on population cohorts in the Genome Aggregation Database (gnomAD). This nucleotide position is highly conserved in available vertebrate species. This amino acid position is highly conserved in available vertebrate species. In silico splice site analysis predicts that this alteration will weaken the native splice donor In addition, as a missense substitution this is predicted to be deleterious by in silico analysis. Based on the majority of available evidence to date, this variant is likely to be pathogenic.

Blueprint Genetics
Classification: Likely pathogenic for BRCA1-related disorders. Last evaluated: 2022-07-25. Review status: criteria provided, single submitter. Criteria: ACMG Guidelines, 2015. Collection method: clinical testing. Allele origin: germline. Affected: yes. Observed: 1 variant allele.

Labcorp Genetics (formerly Invitae), Labcorp
Classification: Likely pathogenic for Hereditary breast ovarian cancer syndrome. Last evaluated: 2020-09-23. Review status: criteria provided, single submitter. Criteria: Invitae Variant Classification Sherloc (09022015). Collection method: clinical testing. Allele origin: germline.
Comment: This sequence change replaces cysteine with tyrosine at codon 27 of the BRCA1 protein (p.Cys27Tyr). The cysteine residue is highly conserved and there is a large physicochemical difference between cysteine and tyrosine. This variant also falls at the last nucleotide of exon 2 of the BRCA1 coding sequence, which is part of the consensus splice site for this exon. In summary, the currently available evidence indicates that the variant is pathogenic, but additional data are needed to prove that conclusively. Therefore, this variant has been classified as Likely Pathogenic. This variant disrupts the c.80G nucleotide in the BRCA1 gene. Other variant(s) that disrupt this nucleotide have been determined to be pathogenic (PMID: 11526114, 22843421, 30209399). This suggests that this nucleotide is clinically-significant, and that variants that disrupt this position are likely to be disease-causing. Nucleotide substitutions within the consensus splice site are a relatively common cause of aberrant splicing (PMID: 17576681, 9536098). Experimental studies have shown that this variant disrupts mRNA splicing and/or protein function (PMID: 30209399). Algorithms developed to predict the effect of missense changes on protein structure and function (SIFT, PolyPhen-2, Align-GVGD) all suggest that this variant is likely to be disruptive, but these predictions have not been confirmed by published functional studies and their clinical significance is uncertain. This variant has been observed in an individual affected with breast cancer (PMID: 29681614). This variant is not present in population databases (ExAC no frequency).

Breast Center, Key Laboratory of Carcinogenesis and Translational Research
Classification: Likely pathogenic for Hereditary breast and ovarian cancer syndrome. Last evaluated: 2020-05-01. Review status: criteria provided, single submitter. Criteria: ACMG Guidelines, 2015. Collection method: clinical testing. Allele origin: germline. Observed: 1 variant allele.

PreventionGenetics, part of Exact Sciences
Classification: Likely pathogenic for BRCA1-related condition. Last evaluated: 2023-11-09. Review status: no assertion criteria provided. Collection method: clinical testing. Allele origin: germline. Not counted in ClinVar's aggregate classification.
Comment: The BRCA1 c.80G>A variant is predicted to result in the amino acid substitution p.Cys27Tyr. This variant has been reported in multiple individuals with breast cancer (Table 5, Liang et al. 2018. PubMed ID: 29681614; Table 3, Machackova et al. 2019. PubMed ID: 31409081). This variant has not been reported in a large population database, indicating this variant is rare. An in vitro experimental study suggests variants that affect p.Cys27 impact protein function (Table S1, Findlay et al. 2018. PubMed ID: 30209399). This variant has been classified as likely pathogenic by other institutions in ClinVar. This variant is interpreted as likely pathogenic.

Brotman Baty Institute, University of Washington
No classification provided (evidence only). Condition: Breast-ovarian cancer, familial 1. Review status: no classification provided. Collection method: in vitro. Allele origin: not applicable. Functional consequence: functionally_abnormal. Not counted in ClinVar's aggregate classification.
ClinVar note: "not provided" was previously submitted as the classification for the variant. However, the classification appeared to be based only on an observation of functional data so it was converted to no classification on 2025-07-30.

Literature cited by the submitters: PubMed 30209399 (cited by 3 submitters); PubMed 31409081 (cited by Ambry Genetics); PubMed 35864222 (cited by Ambry Genetics); PubMed 11526114 (cited by Labcorp Genetics (formerly Invitae), Labcorp); PubMed 22843421 (cited by Labcorp Genetics (formerly Invitae), Labcorp); PubMed 17576681 (cited by Labcorp Genetics (formerly Invitae), Labcorp); PubMed 9536098 (cited by Labcorp Genetics (formerly Invitae), Labcorp); PubMed 29681614 (cited by Labcorp Genetics (formerly Invitae), Labcorp and Breast Center, Key Laboratory of Carcinogenesis and Translational Research).